The following is an entry in ClinVar:

NM_006393.3(NEBL):c.334G>A (p.Val112Ile)

Gene: NEBL (nebulette; minus strand). Cytogenetic location: 10p12.31.
Variant type: single nucleotide variant.
Coding change: c.334G>A on transcript NM_006393.3 (MANE Select); coding-DNA position 334, G replaced by A.
Protein change: p.Val112Ile; replaces valine 112 with isoleucine.
Molecular consequence: missense variant. On other transcripts: intron variant (9).
Genome position (GRCh38, 1-based): chr10:20,888,132, C>T on the plus strand (G>A on the coding strand, the complement: NEBL is on the minus strand). VCF-style: chr10-20888132-C-T. GRCh37 (hg19) VCF-style: chr10-21177061-C-T.
Other names: c.249+73540G>A (NM_001377326.1, NM_001377327.1, NM_001377328.1); c.357+73540G>A (NM_213569.2, NM_001173484.2, NM_001377322.1); c.300+73540G>A (NM_001377324.1); c.291+73540G>A (NM_001377325.1); c.309+73540G>A (NM_001377323.1); short protein forms V112I.
Identifiers: ClinVar variation 4998572 (VCV004998572.1).

ClinVar aggregate classification (germline): Uncertain significance (1 of 4 stars; one submission).

Conditions:
NEBL-related disorder. Also called: NEBL-related condition.

Submission:

PreventionGenetics, part of Exact Sciences
Classification: Uncertain significance for NEBL-related condition. Last evaluated: 2025-01-04. Review status: criteria provided, single submitter. Criteria: ACMG Guidelines, 2015. Collection method: clinical testing. Allele origin: germline.
Comment: The NEBL c.334G>A variant is predicted to result in the amino acid substitution p.Val112Ile. To our knowledge, this variant has not been reported in the literature or in a large population database (gnomAD), indicating this variant is rare. At this time, the clinical significance of this variant is uncertain due to the absence of conclusive functional and genetic evidence.